The following is an entry in ClinVar:

ClinVar aggregate classification (germline): Pathogenic (1 of 4 stars; one submission).

Conditions:
Lynch syndrome 5 (LYNCH5). Also called: Colorectal cancer, hereditary nonpolyposis, type 5; Hereditary non-polyposis colorectal cancer, type 5. Identifiers: Orphanet 144, MedGen C1833477, MONDO:0013710, OMIM 614350. Disease mechanism: loss of function.

Submission:

Myriad Genetics, Inc.
Classification: Pathogenic for Lynch syndrome 5. Last evaluated: 2023-08-10. Review status: criteria provided, single submitter. Criteria: Myriad Autosomal Dominant, Autosomal Recessive and X-Linked Classification Criteria (2023). Collection method: clinical testing. Allele origin: unknown.
Comment: This variant is considered pathogenic. This variant creates a frameshift predicted to result in premature protein truncation.

NM_000179.3(MSH6):c.356del (p.Phe119fs)

Gene: MSH6 (mutS homolog 6; plus strand). Cytogenetic location: 2p16.3.
Variant type: Deletion.
Coding change: c.356del on transcript NM_000179.3 (MANE Select); coding-DNA position 356, one base deleted (T; older notation c.356delT).
Protein change: p.Phe119fs; shifts the reading frame from phenylalanine 119.
Molecular consequence: frameshift variant. On other transcripts: 5 prime UTR variant (7), non-coding transcript variant (5), intron variant (6).
Genome position (GRCh38, 1-based): chr2:47,791,022, T deleted; the last of 2 consecutive T bases (chr2:47,791,021-47,791,022); deleting either gives the same sequence. VCF-style (leftmost placement, unchanged base first): chr2-47791020-AT-A. GRCh37 (hg19) VCF-style: chr2-48018159-AT-A.
Other names: c.-381del (NM_001281493.2, NM_001406811.1, NM_001406823.1 and 1 more transcripts); c.-547del (NM_001281494.2); c.452del, p.Phe151fs (NM_001406795.1, NM_001406802.1); c.356del, p.Phe119fs (NM_001406796.1, NM_001406798.1, NM_001406800.1 and 6 more transcripts); c.59del, p.Phe20fs (NM_001406797.1, NM_001406801.1, NM_001406805.1 and 10 more transcripts); c.278del, p.Phe93fs (NM_001406804.1); c.-573del (NM_001406807.1); c.-639del (NM_001406814.1); and 6 more; short protein forms F119fs, F151fs, F20fs, F63fs, F93fs.
Identifiers: ClinVar variation 2673729 (VCV002673729.1), dbSNP rs1114167776, ClinGen allele CA2695200722.